The following is an entry in ClinVar:

NM_006231.4(POLE):c.1550C>T (p.Pro517Leu)

Gene: POLE (DNA polymerase epsilon, catalytic subunit; minus strand). Cytogenetic location: 12q24.33.
Variant type: single nucleotide variant.
Coding change: c.1550C>T on transcript NM_006231.4 (MANE Select); coding-DNA position 1550, C replaced by T.
Protein change: p.Pro517Leu; replaces proline 517 with leucine.
Molecular consequence: missense variant.
Genome position (GRCh38, 1-based): chr12:132,672,763, G>A on the plus strand (C>T on the coding strand, the complement: POLE is on the minus strand). VCF-style: chr12-132672763-G-A. GRCh37 (hg19) VCF-style: chr12-133249349-G-A.
Other names: short protein forms P517L.
Identifiers: ClinVar variation 517195 (VCV000517195.16), dbSNP rs780556141, ClinGen allele CA6893916.
Genomic context (GRCh38, chr12:132,672,763, plus strand): 5'-TCAGAGTCCAGCACGTGTCCGTCGTCCGTCAGCTTATTGAACTCCTGCTCTTGCTTGTTG[G>A]GGAAGATGATGTTGGCGTGGAAGGCCTGCACCATCAGCAAGGCCTCACACAGAGTGCCAG-3'
Protein context (NP_006222.2, residues 507-527): VQAFHANIIF[Pro517Leu]NKQEQEFNKL

ClinVar aggregate classification (germline): Uncertain significance. Review status: criteria provided, multiple submitters, no conflicts (2 of 4 stars). 4 submissions from 4 submitters: Uncertain significance (4). Last evaluated 2025-12-13.

Conditions:
Colorectal cancer, susceptibility to, 12 (CRCS12). Also called: COLORECTAL CANCER, SUSCEPTIBILITY TO, ON CHROMOSOME 12q24. Identifiers: Orphanet 220460, MedGen C3554460, MONDO:0014038, OMIM 615083.
Facial dysmorphism-immunodeficiency-livedo-short stature syndrome. Also called: Facial dysmorphism, immunodeficiency, livedo, and short stature; FILS syndrome. Identifiers: Orphanet 352712, MedGen C3554576, MONDO:0014058, OMIM 615139.
Hereditary cancer-predisposing syndrome. Also called: Tumor predisposition; Hereditary neoplastic syndrome; Neoplastic Syndromes, Hereditary; Hereditary Cancer Syndrome. Identifiers: Orphanet 140162, MedGen C0027672, MeSH D009386, MONDO:0015356.

Allele frequency attached by ClinVar (database versions not stated): ExAC 0.00001; gnomAD exomes 0.00001; TOPMed 0.00002.
gnomAD v4.1: 26 of 1,614,054 alleles (0.0016%); highest among the groups gnomAD compares: Non-Finnish European, 0.0021%; no homozygotes.

Submissions (4):

Labcorp Genetics (formerly Invitae), Labcorp
Classification: Uncertain significance. Last evaluated: 2025-12-13. Review status: criteria provided, single submitter. Criteria: Invitae Variant Classification Sherloc (09022015). Collection method: clinical testing. Allele origin: germline.
Comment: This sequence change replaces proline, which is neutral and non-polar, with leucine, which is neutral and non-polar, at codon 517 of the POLE protein (p.Pro517Leu). This variant is present in population databases (rs780556141, gnomAD 0.002%). This variant has not been reported in the literature in individuals affected with POLE-related conditions. ClinVar contains an entry for this variant (Variation ID: 517195). Invitae Evidence Modeling of protein sequence and biophysical properties (such as structural, functional, and spatial information, amino acid conservation, physicochemical variation, residue mobility, and thermodynamic stability) indicates that this missense variant is expected to disrupt POLE protein function with a positive predictive value of 80%. In summary, the available evidence is currently insufficient to determine the role of this variant in disease. Therefore, it has been classified as a Variant of Uncertain Significance.

Ambry Genetics
Classification: Uncertain significance for Hereditary cancer-predisposing syndrome. Last evaluated: 2025-01-15. Review status: criteria provided, single submitter. Criteria: Ambry Variant Classification Scheme 2023. Collection method: clinical testing. Allele origin: germline.
Comment: The p.P517L variant (also known as c.1550C>T), located in coding exon 15 of the POLE gene, results from a C to T substitution at nucleotide position 1550. The proline at codon 517 is replaced by leucine, an amino acid with similar properties. This amino acid position is highly conserved in available vertebrate species. In addition, this alteration is predicted to be deleterious by in silico analysis. Based on the available evidence, the clinical significance of this variant remains unclear.

GeneDx
Classification: Uncertain significance. Last evaluated: 2020-12-24. Review status: criteria provided, single submitter. Criteria: GeneDx Variant Classification Process June 2021. Collection method: clinical testing. Allele origin: germline. Affected: yes.
Comment: Not observed at a significant frequency in large population cohorts (Lek et al., 2016); In silico analysis supports that this missense variant has a deleterious effect on protein structure/function; Observed in an individual with ovarian cancer (Song 2020); This variant is associated with the following publications: (PMID: 32546565)

Laboratory for Molecular Medicine, Mass General Brigham Personalized Medicine
Classification: Uncertain significance. Last evaluated: 2016-12-28. Review status: criteria provided, single submitter. Criteria: LMM Criteria. Collection method: clinical testing. Allele origin: germline. Observed: 1 variant allele.
Comment: The p.Pro517Leu variant in POLE has not been previously reported in individuals with colorectal cancer, but has been identified in 1/66194 of European chromosom es by the Exome Aggregation Consortium (ExAC; db SNP rs780556141). Computational prediction tools and conservation analysis sugge st that the p.Pro517Leu variant may impact the protein, though this information is not predictive enough to determine pathogenicity. In summary, the clinical si gnificance of the p.Pro517Leu variant is uncertain.